The following is an entry in ClinVar:

ClinVar aggregate classification (germline): Pathogenic. Review status: criteria provided, multiple submitters, no conflicts (2 of 4 stars). 9 submissions from 9 submitters: Pathogenic (8). 1 of the submissions does not count toward it. Last evaluated 2026-01-02.

Conditions:
Multiple endocrine neoplasia, type 2 (MEN2). Identifiers: Orphanet 653, MedGen C4048306, MONDO:0019003. Disease mechanism: gain of function.
Aganglionic megacolon (HSCR). Also called: Hirschsprung's disease; Hirschsprung disease. Identifiers: Orphanet 388, MedGen C0019569, MeSH D006627, MONDO:0018309, HP:0002251.
RET-related disorder. Also called: RET-related disorders; RET-related condition; RET-related disease.
Hereditary cancer-predisposing syndrome. Also called: Neoplastic Syndromes, Hereditary; Tumor predisposition; Hereditary Cancer Syndrome; Hereditary neoplastic syndrome. Identifiers: Orphanet 140162, MedGen C0027672, MeSH D009386, MONDO:0015356.
Multiple endocrine neoplasia type 2A. Also called: MULTIPLE ENDOCRINE NEOPLASIA, TYPE IIA; PTC SYNDROME; SIPPLE SYNDROME; MEN 2A; MEN-2A syndrome; Pheochromocytoma and amyloid producing medullary thyroid carcinoma. Identifiers: Orphanet 247698, Orphanet 653, MedGen C0025268, MeSH D018813, MONDO:0008234, OMIM 171400.

Submissions 1 to 6 of 9:

Labcorp Genetics (formerly Invitae), Labcorp
Classification: Pathogenic for Multiple endocrine neoplasia, type 2. Last evaluated: 2026-01-02. Review status: criteria provided, single submitter. Criteria: Invitae Variant Classification Sherloc (09022015). Collection method: clinical testing. Allele origin: germline.
Comment: This sequence change replaces cysteine, which is neutral and slightly polar, with glycine, which is neutral and non-polar, at codon 620 of the RET protein (p.Cys620Gly). This variant is not present in population databases (gnomAD no frequency). This missense change has been observed in individual(s) with Hirschsprung disease, medullary thyroid cancer, and/or pheochromocytoma (PMID: 20516206, 20979234, 25694125, 30763276). It has also been observed to segregate with disease in related individuals. ClinVar contains an entry for this variant (Variation ID: 24905). An algorithm developed to predict the effect of missense changes on protein structure and function (PolyPhen-2) suggests that this variant is likely to be disruptive. This variant disrupts the p.Cys620 amino acid residue in RET. Other variant(s) that disrupt this residue have been determined to be pathogenic (PMID: 7849720, 7874109, 9146685, 9384613, 18206480, 19336503, 19826964, 24805091). This suggests that this residue is clinically significant, and that variants that disrupt this residue are likely to be disease-causing. For these reasons, this variant has been classified as Pathogenic.

Women's Health and Genetics/Laboratory Corporation of America, LabCorp
Classification: Pathogenic for Multiple endocrine neoplasia, type 2. Last evaluated: 2025-06-16. Review status: criteria provided, single submitter. Criteria: LabCorp Variant Classification Summary - May 2015. Collection method: clinical testing. Allele origin: germline.
Comment: Variant summary: RET c.1858T>G (p.Cys620Gly) results in a non-conservative amino acid change in the encoded protein sequence. Algorithms developed to predict the effect of missense changes on protein structure and function all suggest that this variant is likely to be disruptive. The variant was absent in 248804 control chromosomes. c.1858T>G has been observed in multiple individuals affected with Multiple Endocrine Neoplasia Type 2/Familial Medullary Thyroid Carcinoma (e.g. Kruckeberg_2004, Chang_2011, Pelizzo_2015, Fussey_2020). These data indicate that the variant is very likely to be associated with disease. Additionally, multiple variants affecting the same codon have been classified as pathogenic by our lab and others in ClinVar (e.g. p.Cys620Phe, p.Cys620Ser, p.Cys620Arg), supporting the critical relevance of codon 620 to RET protein function. The following publications have been ascertained in the context of this evaluation (PMID: 24064755, 33340421, 22156466, 14718397). ClinVar contains an entry for this variant (Variation ID: 24905). Based on the evidence outlined above, the variant was classified as pathogenic.

All of Us Research Program, National Institutes of Health
Classification: Pathogenic for Multiple endocrine neoplasia, type 2. Last evaluated: 2023-06-26. Review status: criteria provided, single submitter. Criteria: ACMG Guidelines, 2015. Collection method: clinical testing. Allele origin: germline. Inheritance: Autosomal dominant inheritance. Observed: 1 variant allele, 1 heterozygote.
Comment: This missense variant replaces cysteine with glycine at codon 620 of the RET protein. Computational prediction suggests that this variant may have deleterious impact on protein structure and function (internally defined REVEL score threshold >= 0.7, PMID: 27666373). To our knowledge, functional studies have not been reported for this variant. This variant has been reported in at least a dozen cases of sporadic and familial medullary thyroid cancer with or without pheochromocytoma and hyperparathyroidism (PMID: 9223675, 11502806, 14718397, 20516206, 20979234, 25694125, 28946813, 29579362, 35884466; DOI: 10.1210/jendso/bvab048.2029). Three other missense mutations at codon 620 are considered a moderate risk for MTC by the American Thyroid Association and approximately 10% to 20% of carriers are affected with pheochromocytoma and hyperparathyroidism (PMID: 25810047). This codon, cysteine 620, is considered a RET mutational hotspot observed in MEN2 disease and sporadic medullary thyroid carcinoma (PMID: 33603219). Five other protein changes at this codon from six different single-nucleotide substitutions have been reported as disease-causing in ClinVar (variation ID: 13915, 13916, 13928, 13934, 13943, 38602). This variant has not been identified in the general population by the Genome Aggregation Database (gnomAD). Based on the available evidence, this variant is classified as Likely Pathogenic.

This study involves interpretation of variants in research participants for the purpose of population health screening. Participant phenotype was not available at the time of variant classification. Additional details can be found in publication PMID: 35346344, PMCID: PMC8962531

Ambry Genetics
Classification: Pathogenic for Hereditary cancer-predisposing syndrome. Last evaluated: 2022-05-13. Review status: criteria provided, single submitter. Criteria: Ambry Variant Classification Scheme 2023. Collection method: clinical testing. Allele origin: germline.
Comment: The p.C620G pathogenic mutation (also known as c.1858T>G), located in coding exon 10 of the RET gene, results from a T to G substitution at nucleotide position 1858. The cysteine at codon 620 is replaced by glycine, an amino acid with highly dissimilar properties. This mutation has been described in multiple families with RET-associated phenotypes (Eng C et al. Hum. Mutat. 1997; 9(2):97-109.; Raghavan R et al. Multiple endocrine neoplasia type 2A in a large family with a C620G mutation of the RET proto-oncogene: diagnostic, treatment, and ethical challenges [abstract]. In: Society for Endocrinology BES; 2014 March 24-27; Liverpool, UK; Yeganeh MZ et al. Tumour Biol. 2015 Jul; 36(7):5225-31).This mutation is located in codon 620, which encodes part of the extracellular cysteine rich domain and is a well-described mutation hotspot site. Mutations at this codon have been categorized by the American Thyroid Association as having moderate risk for MTC and is associated with a pheochromocytoma incidence rate of 13%&ndash;24% (Wells, et al. Thyroid. 2015;25(6):567-610). This amino acid position is highly conserved in available vertebrate species. In addition, this alteration is predicted to be deleterious by in silico analysis. Based on the supporting evidence, this alteration is interpreted as a disease-causing mutation.

GeneDx
Classification: Pathogenic. Last evaluated: 2021-04-15. Review status: criteria provided, single submitter. Criteria: GeneDx Variant Classification Process June 2021. Collection method: clinical testing. Allele origin: germline. Affected: yes.
Comment: Not observed in large population cohorts (Lek et al., 2016); In silico analysis, which includes protein predictors and evolutionary conservation, supports a deleterious effect; This variant is associated with the following publications: (PMID: 30624503, 20516206, 25694125, 12686527, 9067749, 15982921, 24972642, 11502806, 9223675, 8918855, 14718397, 30763276, 31447099, 18058472, 20979234, 14633923)

Human Genome Sequencing Center Clinical Lab, Baylor College of Medicine
Classification: Pathogenic for Multiple endocrine neoplasia type 2A. Last evaluated: 2018-04-10. Review status: criteria provided, single submitter. Criteria: ACMG Guidelines, 2015. Collection method: clinical testing. Allele origin: germline.
Comment: This c.1858T>G (p.Cys620Gly) variant in the RET gene has been reported in multiple unrelated individuals with medullary thyroid carcinoma and Hurschsprung disease (PMID: 8918855, 9223675, 25694125, 20979234, 11502806) and is extremely rare in the general population. Other reports have also observed different changes at the same amino acid in patients with medullary thyroid carcinoma (PMID:7874109, 7849720). This c.1858T>G (p.Cys620Gly) variant in the RET gene is classified as pathogenic.

NM_020975.6(RET):c.1858T>G (p.Cys620Gly)

Gene: RET (ret proto-oncogene; plus strand). Cytogenetic location: 10q11.21.
Variant type: single nucleotide variant.
Coding change: c.1858T>G on transcript NM_020975.6 (MANE Select); coding-DNA position 1858, T replaced by G.
Protein change: p.Cys620Gly; replaces cysteine 620 with glycine.
Molecular consequence: missense variant.
Genome position (GRCh38, 1-based): chr10:43,113,654, T>G. VCF-style: chr10-43113654-T-G. GRCh37 (hg19) VCF-style: chr10-43609102-T-G.
Other names: c.1858T>G, p.Cys620Gly (NM_000323.2, NM_001406743.1, NM_001406744.1 and 6 more transcripts); c.1096T>G, p.Cys366Gly (NM_001355216.2); c.1729T>G, p.Cys577Gly (NM_001406761.1, NM_001406762.1, NM_001406764.1 and 1 more transcripts); c.1570T>G, p.Cys524Gly (NM_001406766.1, NM_001406767.1, NM_001406770.1); c.1462T>G, p.Cys488Gly (NM_001406769.1, NM_001406772.1); c.1420T>G, p.Cys474Gly (NM_001406771.1, NM_001406773.1); c.1333T>G, p.Cys445Gly (NM_001406774.1); c.1132T>G, p.Cys378Gly (NM_001406775.1, NM_001406776.1, NM_001406777.1 and 1 more transcripts); and 5 more; short protein forms C366G, C225G, C290G, C321G, C488G, C524G, C137G, C278G.
Identifiers: ClinVar variation 24905 (VCV000024905.24), dbSNP rs77316810, ClinGen allele CA008066.